The following is an entry in ClinVar:

NM_003072.5(SMARCA4):c.4259G>A (p.Gly1420Asp)

Gene: SMARCA4 (SWI/SNF related BAF chromatin remodeling complex subunit ATPase 4; plus strand). Cytogenetic location: 19p13.2.
Variant type: single nucleotide variant.
Coding change: c.4259G>A on transcript NM_003072.5 (MANE Select); coding-DNA position 4259, G replaced by A.
Protein change: p.Gly1420Asp; replaces glycine 1420 with aspartic acid.
Molecular consequence: missense variant. On other transcripts: non-coding transcript variant (1).
Genome position (GRCh38, 1-based): chr19:11,041,395, G>A. VCF-style: chr19-11041395-G-A. GRCh37 (hg19) VCF-style: chr19-11152071-G-A.
Other names: c.4259G>A, p.Gly1420Asp (NM_001128844.3); c.4169G>A, p.Gly1390Asp (NM_001128845.2, NM_001128846.2); c.4160G>A, p.Gly1387Asp (NM_001128847.4, NM_001128848.2, NM_001374457.1); c.4355G>A, p.Gly1452Asp (NM_001128849.3, NM_001387283.1); c.4256G>A, p.Gly1419Asp (NM_001411150.1); short protein forms G1387D, G1390D, G1419D, G1420D, G1452D.
Identifiers: ClinVar variation 2498753 (VCV002498753.28), dbSNP rs1555788169, ClinGen allele CA404073312.
Genomic context (GRCh38, chr19:11,041,395, plus strand): 5'-TCGAAGAGGAGGTCCGGCAGAAGAAATCATCACGGAAGCGCAAGCGAGACAGCGACGCCG[G>A]CTCCTCCACCCCGACCACCAGCACCCGCAGCCGCGACAAGGACGACGAGAGCAAGAAGCA-3'
Protein context (NP_003063.2, residues 1410-1430): SRKRKRDSDA[Gly1420Asp]SSTPTTSTRS

ClinVar aggregate classification (germline): Likely benign (1 of 4 stars; one submission).

Submission:

CeGaT Center for Human Genetics Tuebingen
Classification: Likely benign. Last evaluated: 2023-11-01. Review status: criteria provided, single submitter. Criteria: CeGaT Center For Human Genetics Tuebingen Variant Classification Criteria Version 2. Collection method: clinical testing. Allele origin: germline. Affected: yes. Observed: 2 variant alleles.
Comment: SMARCA4: PM2, PP2, BS2